The following is an entry in ClinVar:

NM_000059.4(BRCA2):c.7981_7983del (p.Asp2661del)

Gene: BRCA2 (BRCA2 DNA repair associated; plus strand). Cytogenetic location: 13q13.1.
Variant type: Deletion.
Coding change: c.7981_7983del on transcript NM_000059.4 (MANE Select); coding-DNA positions 7981 to 7983, 3 bases deleted (GAT; older notation c.7981_7983delGAT).
Protein change: p.Asp2661del; deletes aspartic acid 2661.
Molecular consequence: inframe deletion.
Genome position (GRCh38, 1-based): chr13:32,363,183-32,363,185, GAT deleted; deleting any 3 consecutive bases within chr13:32,363,181-32,363,185 gives the same sequence; the c. name uses the placement nearest the transcript's 3' end. VCF-style (leftmost placement, unchanged base first): chr13-32363180-TATG-T. GRCh37 (hg19) VCF-style: chr13-32937317-TATG-T.
Other names: c.7981_7983delGAT (NM_000059.3); short protein forms D2661del.
Identifiers: ClinVar variation 1058273 (VCV001058273.11), dbSNP rs2137579584, ClinGen allele CA923726296.

ClinVar aggregate classification (germline): Conflicting classifications of pathogenicity. Review status: criteria provided, conflicting classifications (1 of 4 stars). 3 submissions from 3 submitters: Likely pathogenic (1); Uncertain significance (2). Last evaluated 2025-03-06.

Conditions:
Hereditary cancer-predisposing syndrome. Also called: Tumor predisposition; Neoplastic Syndromes, Hereditary; Hereditary Cancer Syndrome; Hereditary neoplastic syndrome. Identifiers: Orphanet 140162, MedGen C0027672, MeSH D009386, MONDO:0015356.
Breast-ovarian cancer, familial, susceptibility to, 2 (BROVCA2). Also called: BRCA2 Hereditary Breast and Ovarian Cancer. Identifiers: Orphanet 145, MedGen C2675520, MONDO:0012933, OMIM 612555. Disease mechanism: loss of function.
Hereditary breast ovarian cancer syndrome. Also called: Hereditary breast and ovarian cancer; Breast and ovarian cancer; BRCA1- and BRCA2-Associated Hereditary Breast and Ovarian Cancer; Hereditary breast and ovarian cancer syndrome; Hereditary breast and ovarian cancer syndrome (HBOC); Hereditary breast and/or ovarian cancer syndrome. Identifiers: Orphanet 145, MedGen C0677776, MeSH D061325, MONDO:0003582. Disease mechanism: loss of function.

Submissions (3):

Molecular Pathology, Peter Maccallum Cancer Centre
Classification: Likely pathogenic for Breast-ovarian cancer, familial, susceptibility to, 2. Last evaluated: 2025-03-06. Review status: criteria provided, single submitter. Criteria: ACMG Guidelines, 2015. Collection method: clinical testing. Allele origin: germline. Inheritance: Autosomal dominant inheritance.

Ambry Genetics
Classification: Uncertain significance for Hereditary cancer-predisposing syndrome. Last evaluated: 2025-01-15. Review status: criteria provided, single submitter. Criteria: Ambry Variant Classification Scheme 2023. Collection method: clinical testing. Allele origin: germline.
Comment: The c.7981_7983delGAT variant (also known as p.D2661del) is located in coding exon 17 of the BRCA2 gene. This variant results from an in-frame GAT deletion at nucleotide positions 7981 to 7983. This results in the in-frame deletion of an aspartic acid at codon 2661. This amino acid position is highly conserved in available vertebrate species. In addition, the in silico prediction for this alteration is inconclusive (Choi Y et al. PLoS ONE. 2012; 7(10):e46688). Based on the available evidence, the clinical significance of this variant remains unclear.

Labcorp Genetics (formerly Invitae), Labcorp
Classification: Uncertain significance for Hereditary breast ovarian cancer syndrome. Last evaluated: 2023-10-03. Review status: criteria provided, single submitter. Criteria: Invitae Variant Classification Sherloc (09022015). Collection method: clinical testing. Allele origin: germline.
Comment: This variant, c.7981_7983del, results in the deletion of 1 amino acid(s) of the BRCA2 protein (p.Asp2661del), but otherwise preserves the integrity of the reading frame. This variant is not present in population databases (gnomAD no frequency). This variant has not been reported in the literature in individuals affected with BRCA2-related conditions. ClinVar contains an entry for this variant (Variation ID: 1058273). Experimental studies and prediction algorithms are not available or were not evaluated, and the functional significance of this variant is currently unknown. In summary, the available evidence is currently insufficient to determine the role of this variant in disease. Therefore, it has been classified as a Variant of Uncertain Significance.